The following is an entry in ClinVar:

NM_000717.5(CA4):c.806A>T (p.Asn269Ile)

Gene: CA4 (carbonic anhydrase 4; plus strand). Cytogenetic location: 17q23.1.
Variant type: single nucleotide variant.
Coding change: c.806A>T on transcript NM_000717.5 (MANE Select); coding-DNA position 806, A replaced by T.
Protein change: p.Asn269Ile; replaces asparagine 269 with isoleucine.
Molecular consequence: missense variant. On other transcripts: non-coding transcript variant (1).
Genome position (GRCh38, 1-based): chr17:60,159,291, A>T. VCF-style: chr17-60159291-A-T. GRCh37 (hg19) VCF-style: chr17-58236652-A-T.
Other names: short protein forms N269I.
Identifiers: ClinVar variation 1025345 (VCV001025345.7), dbSNP rs926018782, ClinGen allele CA292207585.
Genomic context (GRCh38, chr17:60,159,291, plus strand): 5'-TCCTGGCATTCTCTCAGAAGCTGTACTACGACAAGGAACAGACAGTGAGCATGAAGGACA[A>T]TGTCAGGCCCCTGCAGCAGCTGGGGCAGCGCACGGTGATAAAGTCCGGGGCCCCGGGTCG-3'
Protein context (NP_000708.1, residues 259-279): DKEQTVSMKD[Asn269Ile]VRPLQQLGQR

ClinVar aggregate classification (germline): Uncertain significance (1 of 4 stars; one submission).

Allele frequency attached by ClinVar (database versions not stated): gnomAD exomes below 0.00001; gnomAD 0.00001; TOPMed 0.00001.
gnomAD v4.1: 6 of 1,610,384 alleles (0.00037%); highest among the groups gnomAD compares: Non-Finnish European, 0.00051%; no homozygotes.

Submission:

Labcorp Genetics (formerly Invitae), Labcorp
Classification: Uncertain significance. Last evaluated: 2023-11-14. Review status: criteria provided, single submitter. Criteria: Invitae Variant Classification Sherloc (09022015). Collection method: clinical testing. Allele origin: germline.
Comment: This sequence change replaces asparagine, which is neutral and polar, with isoleucine, which is neutral and non-polar, at codon 269 of the CA4 protein (p.Asn269Ile). This variant is present in population databases (no rsID available, gnomAD 0.007%). This variant has not been reported in the literature in individuals affected with CA4-related conditions. ClinVar contains an entry for this variant (Variation ID: 1025345). Advanced modeling of protein sequence and biophysical properties (such as structural, functional, and spatial information, amino acid conservation, physicochemical variation, residue mobility, and thermodynamic stability) performed at Invitae indicates that this missense variant is not expected to disrupt CA4 protein function with a negative predictive value of 80%. In summary, the available evidence is currently insufficient to determine the role of this variant in disease. Therefore, it has been classified as a Variant of Uncertain Significance.